The following is an entry in ClinVar:

ClinVar aggregate classification (germline): Uncertain significance. Review status: criteria provided, multiple submitters, no conflicts (2 of 4 stars). 4 submissions from 4 submitters: Uncertain significance (4). Last evaluated 2023-04-11.

Conditions:
Developmental and epileptic encephalopathy, 23 (DEE23). Also called: Epileptic encephalopathy, early infantile, 23. Identifiers: Orphanet 411986, MedGen C4014492, MONDO:0014371, OMIM 615859.

Allele frequency attached by ClinVar (database versions not stated): gnomAD exomes below 0.00001; TOPMed below 0.00001; gnomAD 0.00001.
gnomAD v4.1: 2 of 1,613,430 alleles (0.00012%); highest among the groups gnomAD compares: Non-Finnish European, 0.00017%; no homozygotes.

Submissions (4):

Genome-Nilou Lab
Classification: Uncertain significance for Developmental and epileptic encephalopathy, 23. Last evaluated: 2023-04-11. Review status: criteria provided, single submitter. Criteria: ACMG Guidelines, 2015. Collection method: clinical testing. Allele origin: germline. Affected: no.

Labcorp Genetics (formerly Invitae), Labcorp
Classification: Uncertain significance for Developmental and epileptic encephalopathy, 23. Last evaluated: 2022-08-22. Review status: criteria provided, single submitter. Criteria: Invitae Variant Classification Sherloc (09022015). Collection method: clinical testing. Allele origin: germline.
Comment: This sequence change replaces arginine, which is basic and polar, with lysine, which is basic and polar, at codon 1033 of the DOCK7 protein (p.Arg1033Lys). This variant is not present in population databases (gnomAD no frequency). This variant has not been reported in the literature in individuals affected with DOCK7-related conditions. ClinVar contains an entry for this variant (Variation ID: 1032724). Algorithms developed to predict the effect of missense changes on protein structure and function are either unavailable or do not agree on the potential impact of this missense change (SIFT: "Deleterious"; PolyPhen-2: "Benign"; Align-GVGD: "Class C0"). In summary, the available evidence is currently insufficient to determine the role of this variant in disease. Therefore, it has been classified as a Variant of Uncertain Significance.

GeneDx
Classification: Uncertain significance. Last evaluated: 2022-02-01. Review status: criteria provided, single submitter. Criteria: GeneDx Variant Classification Process June 2021. Collection method: clinical testing. Allele origin: germline. Affected: yes.
Comment: Not observed at significant frequency in large population cohorts (gnomAD); In silico analysis supports that this missense variant has a deleterious effect on protein structure/function; Has not been previously published as pathogenic or benign to our knowledge

Baylor Genetics
Classification: Uncertain significance for Developmental and epileptic encephalopathy, 23. Last evaluated: 2018-07-30. Review status: criteria provided, single submitter. Criteria: ACMG Guidelines, 2015. Collection method: clinical testing. Allele origin: unknown. Affected: yes.
Comment: This variant was determined to be of uncertain significance according to ACMG Guidelines, 2015 [PMID:25741868].

NM_001367561.1(DOCK7):c.3098G>A (p.Arg1033Lys)

Gene: DOCK7 (dedicator of cytokinesis 7; minus strand). Cytogenetic location: 1p31.3.
Variant type: single nucleotide variant.
Coding change: c.3098G>A on transcript NM_001367561.1 (MANE Select); coding-DNA position 3098, G replaced by A.
Protein change: p.Arg1033Lys; replaces arginine 1033 with lysine.
Molecular consequence: missense variant.
Genome position (GRCh38, 1-based): chr1:62,539,840, C>T on the plus strand (G>A on the coding strand, the complement: DOCK7 is on the minus strand). VCF-style: chr1-62539840-C-T. GRCh37 (hg19) VCF-style: chr1-63005511-C-T.
Other names: c.3098G>A, p.Arg1033Lys (NM_001271999.2, NM_001330614.2); c.3005G>A, p.Arg1002Lys (NM_001272000.2, NM_001272001.2, NM_033407.4); short protein forms R1002K, R1033K.
Identifiers: ClinVar variation 1032724 (VCV001032724.5), dbSNP rs1413099334, ClinGen allele CA340610325.